The following is an entry in ClinVar:

NM_000322.5(PRPH2):c.936del (p.Pro313fs)

Gene: PRPH2 (peripherin 2; minus strand). Cytogenetic location: 6p21.1.
Variant type: Deletion.
Coding change: c.936del on transcript NM_000322.5 (MANE Select); coding-DNA position 936, one base deleted (G; older notation c.936delG).
Protein change: p.Pro313fs; shifts the reading frame from proline 313.
Molecular consequence: frameshift variant.
Genome position (GRCh38, 1-based): chr6:42,698,400, C deleted on the plus strand (G on the coding strand, the reverse complement: PRPH2 is on the minus strand). VCF-style (leftmost placement, unchanged base first): chr6-42698399-GC-G. GRCh37 (hg19) VCF-style: chr6-42666137-GC-G.
Other names: short protein forms P313fs.
Identifiers: ClinVar variation 2123886 (VCV002123886.4), dbSNP rs2548298312, ClinGen allele CA2580074558.

ClinVar aggregate classification (germline): Pathogenic (1 of 4 stars; one submission).

Conditions:
PRPH2-related disorder. Also called: PRPH2-related condition; PRPH2-related disorders. Identifiers: MedGen CN239395.

Allele frequency attached by ClinVar (database versions not stated): gnomAD exomes below 0.00001.

Submission:

Labcorp Genetics (formerly Invitae), Labcorp
Classification: Pathogenic for PRPH2-related disorder. Last evaluated: 2022-05-04. Review status: criteria provided, single submitter. Criteria: Invitae Variant Classification Sherloc (09022015). Collection method: clinical testing. Allele origin: germline.
Comment: For these reasons, this variant has been classified as Pathogenic. This variant disrupts a region of the PRPH2 protein in which other variant(s) (p.Val332Glu) have been determined to be pathogenic (PMID: 32531846; Invitae). This suggests that this is a clinically significant region of the protein, and that variants that disrupt it are likely to be disease-causing. This variant has not been reported in the literature in individuals affected with PRPH2-related conditions. This variant is not present in population databases (gnomAD no frequency). This sequence change creates a premature translational stop signal (p.Pro313Argfs*11) in the PRPH2 gene. While this is not anticipated to result in nonsense mediated decay, it is expected to disrupt the last 34 amino acid(s) of the PRPH2 protein.

Literature cited by the submitters: PubMed 32531846.